The following is an entry in ClinVar:

ClinVar aggregate classification (germline): Uncertain significance. Review status: criteria provided, multiple submitters, no conflicts (2 of 4 stars). 4 submissions from 4 submitters: Uncertain significance (4). Last evaluated 2026-01-04.

Conditions:
Inborn genetic diseases. Identifiers: MedGen C0950123, MeSH D030342.
Early-infantile DEE. Also called: Ohtahara syndrome; Early infantile epileptic encephalopathy with suppression bursts; Early infantile epileptic encephalopathy. Identifiers: Orphanet 1934, MedGen C0393706, MONDO:0800491.
Developmental and epileptic encephalopathy, 5 (DEE5). Identifiers: Orphanet 3451, MedGen C3150731, MONDO:0013277, OMIM 613477.

Allele frequency attached by ClinVar (database versions not stated): gnomAD 0.00001.

Submissions (4):

Laboratorio de Genetica e Diagnostico Molecular, Hospital Israelita Albert Einstein
Classification: Uncertain significance for Developmental and epileptic encephalopathy, 5. Last evaluated: 2026-01-04. Review status: criteria provided, single submitter. Criteria: ACMG Guidelines, 2015. Collection method: clinical testing. Allele origin: germline. Affected: yes.
Comment: ACMG classification criteria: PM2 supporting, PP2 supporting, PP3 supporting

Labcorp Genetics (formerly Invitae), Labcorp
Classification: Uncertain significance for Early-infantile DEE. Last evaluated: 2023-11-19. Review status: criteria provided, single submitter. Criteria: Invitae Variant Classification Sherloc (09022015). Collection method: clinical testing. Allele origin: germline.
Comment: This sequence change replaces isoleucine, which is neutral and non-polar, with threonine, which is neutral and polar, at codon 628 of the SPTAN1 protein (p.Ile628Thr). This variant is not present in population databases (gnomAD no frequency). This missense change has been observed in individual(s) with clinical features of SPTAN1-related conditions (Invitae). ClinVar contains an entry for this variant (Variation ID: 589832). Advanced modeling of protein sequence and biophysical properties (such as structural, functional, and spatial information, amino acid conservation, physicochemical variation, residue mobility, and thermodynamic stability) has been performed at Invitae for this missense variant, however the output from this modeling did not meet the statistical confidence thresholds required to predict the impact of this variant on SPTAN1 protein function. In summary, the available evidence is currently insufficient to determine the role of this variant in disease. Therefore, it has been classified as a Variant of Uncertain Significance.

GeneDx
Classification: Uncertain significance. Last evaluated: 2023-07-31. Review status: criteria provided, single submitter. Criteria: GeneDx Variant Classification Process June 2021. Collection method: clinical testing. Allele origin: germline. Affected: yes.
Comment: Not observed at significant frequency in large population cohorts (gnomAD); In silico analysis supports that this missense variant has a deleterious effect on protein structure/function; Has not been previously published as pathogenic or benign to our knowledge

Ambry Genetics
Classification: Uncertain significance for Inborn genetic diseases. Last evaluated: 2016-07-08. Review status: criteria provided, single submitter. Criteria: Ambry Variant Classification Scheme 2023. Collection method: clinical testing. Allele origin: germline.
Comment: The p.I628T variant (also known as c.1883T>C), located in coding exon 14 of the SPTAN1 gene, results from a T to C substitution at nucleotide position 1883. The isoleucine at codon 628 is replaced by threonine, an amino acid with similar properties. This variant was not reported in population based cohorts in the following databases: Database of Single Nucleotide Polymorphisms (dbSNP), NHLBI Exome Sequencing Project (ESP), and 1000 Genomes Project. In the ESP, this variant was not observed in 6503 samples (13006 alleles) with coverage at this position. This amino acid position is highly conserved in available vertebrate species. In addition, this alteration is predicted to be deleterious by in silico analysis. Since supporting evidence is limited at this time, the clinical significance of this variant remains unclear.

NM_001130438.3(SPTAN1):c.1883T>C (p.Ile628Thr)

Gene: SPTAN1 (spectrin alpha, non-erythrocytic 1; plus strand). Cytogenetic location: 9q34.11.
Variant type: single nucleotide variant.
Coding change: c.1883T>C on transcript NM_001130438.3 (MANE Select); coding-DNA position 1883, T replaced by C.
Protein change: p.Ile628Thr; replaces isoleucine 628 with threonine.
Molecular consequence: missense variant.
Genome position (GRCh38, 1-based): chr9:128,583,153, T>C. VCF-style: chr9-128583153-T-C. GRCh37 (hg19) VCF-style: chr9-131345432-T-C.
Other names: c.1883T>C, p.Ile628Thr (NM_001195532.2, NM_001363759.2, NM_001363765.2 and 1 more transcripts); short protein forms I628T.
Identifiers: ClinVar variation 589832 (VCV000589832.13), dbSNP rs1564224960, ClinGen allele CA375055646.